The following is an entry in ClinVar:

ClinVar aggregate classification (germline): Benign. Review status: criteria provided, multiple submitters, no conflicts (2 of 4 stars). 6 submissions from 6 submitters: Benign (3). 3 of the submissions do not count toward it. Last evaluated 2024-12-23.

Conditions:
TGM6-related disorder. Also called: TGM6-related condition.
Spinocerebellar ataxia type 35. Identifiers: Orphanet 276193, MedGen C3888031, MONDO:0013485, OMIM 613908.

Allele frequency attached by ClinVar (database versions not stated): ESP Exome Variant Server 0.00008; gnomAD exomes 0.00020 and 0.00106; gnomAD 0.00036 and 0.00049; TOPMed 0.00051; ExAC 0.00103; 1000 Genomes Project 0.00200; 1000 Genomes Project 30x 0.00203.
gnomAD v4.1: 390 of 1,614,108 alleles (0.024%); highest among the groups gnomAD compares: East Asian, 0.71%; 9 homozygotes.

Submissions (6):

Labcorp Genetics (formerly Invitae), Labcorp
Classification: Benign. Last evaluated: 2024-12-23. Review status: criteria provided, single submitter. Criteria: Invitae Variant Classification Sherloc (09022015). Collection method: clinical testing. Allele origin: germline.

Athena Diagnostics
Classification: Benign. Last evaluated: 2023-10-24. Review status: criteria provided, single submitter. Criteria: Athena Diagnostics Criteria. Collection method: clinical testing. Allele origin: unknown.

Illumina Laboratory Services, Illumina
Classification: Benign for Spinocerebellar ataxia type 35. Last evaluated: 2018-01-13. Review status: criteria provided, single submitter. Criteria: ICSL Variant Classification Criteria 13 December 2019. Collection method: clinical testing. Allele origin: germline.
Comment: This variant was observed in the ICSL laboratory as part of a predisposition screen in an ostensibly healthy population. It had not been previously curated by ICSL or reported in the Human Gene Mutation Database (HGMD: prior to June 1st, 2018), and was therefore a candidate for classification through an automated scoring system. Utilizing variant allele frequency, disease prevalence and penetrance estimates, and inheritance mode, an automated score was calculated to assess if this variant is too frequent to cause the disease. Based on the score and internal cut-off values, a variant classified as benign is not then subjected to further curation. The score for this variant resulted in a classification of benign for this disease.

PreventionGenetics, part of Exact Sciences
Classification: Benign for TGM6-related condition. Last evaluated: 2019-08-09. Review status: no assertion criteria provided. Collection method: clinical testing. Allele origin: germline. Not counted in ClinVar's aggregate classification.
Comment: This variant is classified as benign based on ACMG/AMP sequence variant interpretation guidelines (Richards et al. 2015 PMID: 25741868, with internal and published modifications).

Clinical Genetics DNA and cytogenetics Diagnostics Lab, Erasmus MC, Erasmus Medical Center
Classification: Likely benign. Review status: no assertion criteria provided. Collection method: clinical testing. Allele origin: germline. Affected: yes. Study: VKGL Data-share Consensus. Not counted in ClinVar's aggregate classification.

Genome Diagnostics Laboratory, University Medical Center Utrecht
Classification: Likely benign. Review status: no assertion criteria provided. Collection method: clinical testing. Allele origin: germline. Affected: yes. Study: VKGL Data-share Consensus. Not counted in ClinVar's aggregate classification.

Literature cited by the submitters: PubMed 30941903 (cited by Athena Diagnostics); PubMed 24627221 (cited by Athena Diagnostics); PubMed 31273342 (cited by Athena Diagnostics).

NM_198994.3(TGM6):c.555C>T (p.Asp185=)

Gene: TGM6 (transglutaminase 6; plus strand). Cytogenetic location: 20p13.
Variant type: single nucleotide variant.
Coding change: c.555C>T on transcript NM_198994.3 (MANE Select); coding-DNA position 555, C replaced by T.
Protein change: p.Asp185=; no amino-acid change (aspartic acid 185 retained).
Molecular consequence: synonymous variant.
Genome position (GRCh38, 1-based): chr20:2,397,929, C>T. VCF-style: chr20-2397929-C-T. GRCh37 (hg19) VCF-style: chr20-2378575-C-T.
Other names: c.555C>T, p.Asp185= (NM_001254734.2).
Identifiers: ClinVar variation 337907 (VCV000337907.19), dbSNP rs144101264, ClinGen allele CA9731717.